The following is an entry in ClinVar:

ClinVar aggregate classification (germline): Uncertain significance (1 of 4 stars; one submission).

Conditions:
Cardiovascular phenotype. Identifiers: MedGen CN230736.

Allele frequency attached by ClinVar (database versions not stated): gnomAD exomes below 0.00001.
gnomAD v4.1: 5 of 1,376,622 alleles (0.00036%); highest among the groups gnomAD compares: Admixed American, 0.0033%; no homozygotes.

Submission:

Ambry Genetics
Classification: Uncertain significance for Cardiovascular phenotype. Last evaluated: 2021-07-18. Review status: criteria provided, single submitter. Criteria: Ambry Variant Classification Scheme 2023. Collection method: clinical testing. Allele origin: germline.
Comment: The p.G43V variant (also known as c.128G>T), located in coding exon 1 of the GATAD1 gene, results from a G to T substitution at nucleotide position 128. The glycine at codon 43 is replaced by valine, an amino acid with dissimilar properties. This amino acid position is conserved. In addition, the in silico prediction for this alteration is inconclusive. Since supporting evidence is limited at this time, the clinical significance of this alteration remains unclear.

NM_021167.5(GATAD1):c.128G>T (p.Gly43Val)

Genes: GATAD1 (GATA zinc finger domain containing 1; plus strand), LOC129998793 (ATAC-STARR-seq lymphoblastoid silent region 18371; plus strand). Cytogenetic location: 7q21.2.
Variant type: single nucleotide variant.
Coding change: c.128G>T on transcript NM_021167.5 (MANE Select); coding-DNA position 128, G replaced by T.
Protein change: p.Gly43Val; replaces glycine 43 with valine.
Molecular consequence: missense variant. On other transcripts: non-coding transcript variant (1).
Genome position (GRCh38, 1-based): chr7:92,447,857, G>T. VCF-style: chr7-92447857-G-T. GRCh37 (hg19) VCF-style: chr7-92077171-G-T.
Other names: short protein forms G43V.
Identifiers: ClinVar variation 1769068 (VCV001769068.2), dbSNP rs1385942052, ClinGen allele CA368155185.
Genomic context (GRCh38, chr7:92,447,857, plus strand): 5'-GAGCGCAGGGGGAGATCCTCTGCCATCATTGCACTGGCCGGGGCGGCGCGGGCAGCGGGG[G>T]CGCAGGCTCGGGGGCGGCTGGAGGGACTGGGGGCAGCGGCGGCGGCGGCTTCGGCGCGGC-3'
Protein context (NP_066990.3, residues 33-53): CTGRGGAGSG[Gly43Val]AGSGAAGGTG